The following is an entry in ClinVar:

ClinVar aggregate classification (germline): Conflicting classifications of pathogenicity. Review status: criteria provided, conflicting classifications (1 of 4 stars). 6 submissions from 6 submitters: Uncertain significance (2); Benign (1); Likely benign (3). Last evaluated 2026-05-27.

Conditions:
MSRB3-related disorder. Also called: MSRB3-related condition.
Inborn genetic diseases. Identifiers: MedGen C0950123, MeSH D030342.

Allele frequency attached by ClinVar (database versions not stated): gnomAD 0.00013 and 0.00017; TOPMed 0.00026; 1000 Genomes Project 30x 0.00125; 1000 Genomes Project 0.00140.
gnomAD v4.1: 140 of 1,562,098 alleles (0.009%); highest among the groups gnomAD compares: East Asian, 0.25%; 2 homozygotes.

Submissions (6):

PreventionGenetics, part of Exact Sciences
Classification: Likely benign for MSRB3-related condition. Last evaluated: 2026-05-27. Review status: criteria provided, single submitter. Criteria: ACMG Guidelines, 2015. Collection method: clinical testing. Allele origin: germline.
Comment: This variant is classified as likely benign based on ACMG/AMP sequence variant interpretation guidelines (Richards et al. 2015 PMID: 25741868, with internal and published modifications).

Labcorp Genetics (formerly Invitae), Labcorp
Classification: Likely benign. Last evaluated: 2025-12-24. Review status: criteria provided, single submitter. Criteria: Invitae Variant Classification Sherloc (09022015). Collection method: clinical testing. Allele origin: germline.

Ambry Genetics
Classification: Uncertain significance for Inborn genetic diseases. Last evaluated: 2022-12-05. Review status: criteria provided, single submitter. Criteria: Ambry Variant Classification Scheme 2023. Collection method: clinical testing. Allele origin: germline.

GeneDx
Classification: Benign. Last evaluated: 2019-06-28. Review status: criteria provided, single submitter. Criteria: GeneDx Variant Classification Process June 2021. Collection method: clinical testing. Allele origin: germline. Affected: yes.

Laboratory for Molecular Medicine, Mass General Brigham Personalized Medicine
Classification: Likely benign. Last evaluated: 2017-03-22. Review status: criteria provided, single submitter. Criteria: LMM Criteria. Collection method: clinical testing. Allele origin: germline. Observed: 1 variant allele.
Comment: proposed classification - variant undergoing re-assessment, contact laboratory

Eurofins Ntd Llc (ga)
Classification: Uncertain significance. Last evaluated: 2016-12-05. Review status: criteria provided, single submitter. Criteria: EGL Classification Definitions 2015. Collection method: clinical testing. Allele origin: germline. Observed: 1 variant allele, 1 heterozygote.

NM_001031679.3(MSRB3):c.-67G>C

Gene: MSRB3 (methionine sulfoxide reductase B3; plus strand). Cytogenetic location: 12q14.3.
Variant type: single nucleotide variant.
Coding change: c.-67G>C on transcript NM_001031679.3 (MANE Select); 67 bases upstream of the start codon, G replaced by C.
Molecular consequence: 5 prime UTR variant. On other transcripts: missense variant (1).
Genome position (GRCh38, 1-based): chr12:65,278,850, G>C. VCF-style: chr12-65278850-G-C. GRCh37 (hg19) VCF-style: chr12-65672630-G-C.
Other names: c.-231G>C (NM_001193460.2); c.82G>C, p.Gly28Arg (NM_198080.4); short protein forms G28R.
Identifiers: ClinVar variation 228858 (VCV000228858.19), dbSNP rs368104588, ClinGen allele CA6671340.